The following is an entry in ClinVar:

NM_000516.7(GNAS):c.139+8_139+9del

Gene: GNAS (GNAS complex locus; plus strand). Cytogenetic location: 20q13.32.
Variant type: Deletion.
Coding change: c.139+8_139+9del on transcript NM_000516.7 (MANE Select); bases 8 to 9 of the intron after coding-DNA position 139, 2 bases deleted (CG; older notation c.139+8_139+9delCG).
Molecular consequence: intron variant.
Genome position (GRCh38, 1-based): chr20:58,891,873-58,891,874, CG deleted; deleting any 2 consecutive bases within chr20:58,891,872-58,891,874 gives the same sequence; the c. name uses the placement nearest the transcript's 3' end. VCF-style (leftmost placement, unchanged base first): chr20-58891871-GGC-G. GRCh37 (hg19) VCF-style: chr20-57466926-GGC-G.
Other names: c.*43-3739_*43-3738del (NM_016592.5); c.44-3739_44-3738del (NM_001410912.1); c.-38-3739_-38-3738del (NM_001309861.2); c.*1-3739_*1-3738del (NM_001077490.3); c.2069-3739_2069-3738del (NM_080425.4, NM_001410913.1); c.*159-3739_*159-3738del (NM_001309883.1); c.-39+2520_-39+2521del (NM_001309840.2); c.139+8_139+9del (NM_001077488.5, NM_080426.4, NM_001077489.4 and 1 more transcripts).
Identifiers: ClinVar variation 3353465 (VCV003353465.1).
Genomic context (GRCh38, chr20:58,891,871, plus strand): 5'-CAGCTGCAGAAGGACAAGCAGGTCTACCGGGCCACGCACCGCCTGCTGCTGCTGGGTAAG[GGC>G]GGGCGGGGGGCGCCGGCCCCGGCCCGGGGGCCCTCGAAGGGCGCCCCGCAGGCCGCGCGC-3'

ClinVar aggregate classification (germline): Likely benign (0 of 4 stars; one submission).

Conditions:
GNAS-related disorder. Identifiers: MedGen CN380105.

Submission:

PreventionGenetics, part of Exact Sciences
Classification: Likely benign for GNAS-related condition. Last evaluated: 2022-05-02. Review status: no assertion criteria provided. Collection method: clinical testing. Allele origin: germline.
Comment: This variant is classified as likely benign based on ACMG/AMP sequence variant interpretation guidelines (Richards et al. 2015 PMID: 25741868, with internal and published modifications).